The following is an entry in ClinVar:

ClinVar aggregate classification (germline): Uncertain significance (1 of 4 stars; one submission).

Conditions:
Charcot-Marie-Tooth disease type 2. Also called: Charcot-Marie-Tooth type 2. Identifiers: Orphanet 64746, MedGen C0270914, MONDO:0018993.

Submission:

Labcorp Genetics (formerly Invitae), Labcorp
Classification: Uncertain significance for Charcot-Marie-Tooth disease type 2. Last evaluated: 2023-06-29. Review status: criteria provided, single submitter. Criteria: Invitae Variant Classification Sherloc (09022015). Collection method: clinical testing. Allele origin: germline.
Comment: This variant is not present in population databases (gnomAD no frequency). In summary, the available evidence is currently insufficient to determine the role of this variant in disease. Therefore, it has been classified as a Variant of Uncertain Significance. Advanced modeling of protein sequence and biophysical properties (such as structural, functional, and spatial information, amino acid conservation, physicochemical variation, residue mobility, and thermodynamic stability) performed at Invitae indicates that this missense variant is expected to disrupt LMNA protein function. This variant has not been reported in the literature in individuals affected with LMNA-related conditions. This sequence change replaces glutamic acid, which is acidic and polar, with aspartic acid, which is acidic and polar, at codon 444 of the LMNA protein (p.Glu444Asp).

NM_170707.4(LMNA):c.1332G>C (p.Glu444Asp)

Gene: LMNA (lamin A/C; plus strand). Cytogenetic location: 1q22.
Variant type: single nucleotide variant.
Coding change: c.1332G>C on transcript NM_170707.4 (MANE Select); coding-DNA position 1332, G replaced by C.
Protein change: p.Glu444Asp; replaces glutamic acid 444 with aspartic acid.
Molecular consequence: missense variant.
Genome position (GRCh38, 1-based): chr1:156,136,388, G>C. VCF-style: chr1-156136388-G-C. GRCh37 (hg19) VCF-style: chr1-156106179-G-C.
Other names: c.1332G>C, p.Glu444Asp (NM_001282625.2, NM_001282626.2, NM_001406983.1 and 6 more transcripts); c.1089G>C, p.Glu363Asp (NM_001406986.1, NM_001406987.1, NM_001282624.2); c.1035G>C, p.Glu345Asp (NM_001406988.1); c.996G>C, p.Glu332Asp (NM_001406989.1, NM_001257374.3, NM_001406998.1); c.708G>C, p.Glu236Asp (NM_001407000.1, NM_001407001.1, NM_001406994.1 and 1 more transcripts); c.774G>C, p.Glu258Asp (NM_001407002.1, NM_001407003.1, NM_001406990.1 and 4 more transcripts); short protein forms E236D, E332D, E363D, E444D, E345D, E258D.
Identifiers: ClinVar variation 2732926 (VCV002732926.3), dbSNP rs2528000159, ClinGen allele CA342822027.
Genomic context (GRCh38, chr1:156,136,388, plus strand): 5'-TGAGAGCCGCAGCAGCTTCTCACAGCACGCACGCACTAGCGGGCGCGTGGCCGTGGAGGA[G>C]GTGGATGAGGAGGGCAAGTTTGTCCGGCTGCGCAACAAGTCCAATGAGGTAGGCTCCTGC-3'
Protein context (NP_733821.1, residues 434-454): ARTSGRVAVE[Glu444Asp]VDEEGKFVRL